The following is an entry in ClinVar:

NM_017635.5(KMT5B):c.1088A>G (p.Lys363Arg)

Gene: KMT5B (lysine methyltransferase 5B; minus strand). Cytogenetic location: 11q13.2.
Variant type: single nucleotide variant.
Coding change: c.1088A>G on transcript NM_017635.5 (MANE Select); coding-DNA position 1088, A replaced by G.
Protein change: p.Lys363Arg; replaces lysine 363 with arginine.
Molecular consequence: missense variant. On other transcripts: non-coding transcript variant (3).
Genome position (GRCh38, 1-based): chr11:68,167,068, T>C on the plus strand (A>G on the coding strand, the complement: KMT5B is on the minus strand). VCF-style: chr11-68167068-T-C. GRCh37 (hg19) VCF-style: chr11-67934535-T-C.
Other names: c.572A>G, p.Lys191Arg (NM_001300907.1, NM_001369424.1, NM_001369428.1 and 5 more transcripts); c.368A>G, p.Lys123Arg (NM_001300908.2); c.1019A>G, p.Lys340Arg (NM_001300909.2); c.1088A>G, p.Lys363Arg (NM_001363566.2, NM_001369426.1, NM_001369427.1 and 1 more transcripts); c.875A>G, p.Lys292Arg (NM_001369425.1); short protein forms K123R, K191R, K292R, K340R, K363R.
Identifiers: ClinVar variation 3364282 (VCV003364282.1).

ClinVar aggregate classification (germline): Uncertain significance (1 of 4 stars; one submission).

gnomAD v4.1: 3 of 1,614,200 alleles (0.00019%); highest among the groups gnomAD compares: Admixed American, 0.0033%; no homozygotes.

Submission:

GeneDx
Classification: Uncertain significance. Last evaluated: 2023-11-11. Review status: criteria provided, single submitter. Criteria: GeneDx Variant Classification Process June 2021. Collection method: clinical testing. Allele origin: germline. Affected: yes.
Comment: Not observed at significant frequency in large population cohorts (gnomAD); In silico analysis supports that this missense variant does not alter protein structure/function; Has not been previously published as pathogenic or benign to our knowledge